The following is an entry in ClinVar:

ClinVar aggregate classification (germline): Uncertain significance (1 of 4 stars; one submission).

Conditions:
DICER1-related tumor predisposition. Also called: DICER1 syndrome; DICER1-related pleuropulmonary blastoma cancer predisposition syndrome. Identifiers: Orphanet 284343, MedGen C3839822, MONDO:0100216.

gnomAD v4.1: 2 of 1,614,212 alleles (0.00012%); highest among the groups gnomAD compares: Non-Finnish European, 0.00017%; no homozygotes.

Submission:

Labcorp Genetics (formerly Invitae), Labcorp
Classification: Uncertain significance for DICER1-related tumor predisposition. Last evaluated: 2025-08-31. Review status: criteria provided, single submitter. Criteria: Invitae Variant Classification Sherloc (09022015). Collection method: clinical testing. Allele origin: germline.
Comment: This sequence change replaces asparagine, which is neutral and polar, with aspartic acid, which is acidic and polar, at codon 1203 of the DICER1 protein (p.Asn1203Asp). This variant is not present in population databases (gnomAD no frequency). This variant has not been reported in the literature in individuals affected with DICER1-related conditions. Invitae Evidence Modeling of protein sequence and biophysical properties (such as structural, functional, and spatial information, amino acid conservation, physicochemical variation, residue mobility, and thermodynamic stability) indicates that this missense variant is not expected to disrupt DICER1 protein function with a negative predictive value of 95%. In summary, the available evidence is currently insufficient to determine the role of this variant in disease. Therefore, it has been classified as a Variant of Uncertain Significance.

NM_177438.3(DICER1):c.3607A>G (p.Asn1203Asp)

Gene: DICER1 (dicer 1, ribonuclease III; minus strand). Cytogenetic location: 14q32.13.
Variant type: single nucleotide variant.
Coding change: c.3607A>G on transcript NM_177438.3 (MANE Select); coding-DNA position 3607, A replaced by G.
Protein change: p.Asn1203Asp; replaces asparagine 1203 with aspartic acid.
Molecular consequence: missense variant. On other transcripts: non-coding transcript variant (6).
Genome position (GRCh38, 1-based): chr14:95,103,789, T>C on the plus strand (A>G on the coding strand, the complement: DICER1 is on the minus strand). VCF-style: chr14-95103789-T-C. GRCh37 (hg19) VCF-style: chr14-95570126-T-C.
Other names: c.3607A>G, p.Asn1203Asp (NM_001395695.1, NM_030621.4, NM_001395692.1 and 12 more transcripts); c.3202A>G, p.Asn1068Asp (NM_001395696.1, NM_001395687.1, NM_001395688.1 and 2 more transcripts); c.1924A>G, p.Asn642Asp (NM_001395697.1); c.3325A>G, p.Asn1109Asp (NM_001395686.1); c.3040A>G, p.Asn1014Asp (NM_001395691.1); short protein forms N1014D, N1068D, N1109D, N1203D, N642D.
Identifiers: ClinVar variation 4806274 (VCV004806274.1).